The following is an entry in ClinVar:

NM_002875.5(RAD51):c.435+8G>A

Gene: RAD51 (RAD51 recombinase; plus strand). Cytogenetic location: 15q15.1.
Variant type: single nucleotide variant.
Coding change: c.435+8G>A on transcript NM_002875.5 (MANE Select); 8 bases into the intron after coding-DNA position 435, G replaced by A.
Molecular consequence: intron variant.
Genome position (GRCh38, 1-based): chr15:40,709,124, G>A. VCF-style: chr15-40709124-G-A. GRCh37 (hg19) VCF-style: chr15-41001322-G-A.
Other names: c.438+8G>A (NM_133487.4, NM_001164269.2); c.435+8G>A (NM_001164270.2).
Identifiers: ClinVar variation 3033883 (VCV003033883.2), dbSNP rs1388391378, ClinGen allele CA712767630.
Genomic context (GRCh38, chr15:40,709,124, plus strand): 5'-AATTCCGAACTGGGAAGACCCAGATCTGTCATACGCTAGCTGTCACCTGCCAGGTGAGCT[G>A]TTGGGGCTATAGCTAATCAAATAAGCAAGCATTACTTCATTCCTGCTATTTGCAAGCATC-3'

ClinVar aggregate classification (germline): Likely benign (0 of 4 stars; one submission).

Conditions:
RAD51-related disorder. Also called: RAD51-related condition; RAD51-related disorders.

Allele frequency attached by ClinVar (database versions not stated): TOPMed below 0.00001.
gnomAD v4.1: 5 of 1,604,876 alleles (0.00031%); highest among the groups gnomAD compares: Non-Finnish European, 0.00043%; no homozygotes.

Submission:

PreventionGenetics, part of Exact Sciences
Classification: Likely benign for RAD51-related condition. Last evaluated: 2019-06-12. Review status: no assertion criteria provided. Collection method: clinical testing. Allele origin: germline.
Comment: This variant is classified as likely benign based on ACMG/AMP sequence variant interpretation guidelines (Richards et al. 2015 PMID: 25741868, with internal and published modifications).